The following is an entry in ClinVar:

NM_000059.4(BRCA2):c.4101dup (p.Leu1368fs)

Gene: BRCA2 (BRCA2 DNA repair associated; plus strand). Cytogenetic location: 13q13.1.
Variant type: Duplication.
Coding change: c.4101dup on transcript NM_000059.4 (MANE Select); coding-DNA position 4101, one base duplicated (A; older notation c.4101dupA).
Protein change: p.Leu1368fs; shifts the reading frame from leucine 1368.
Molecular consequence: frameshift variant.
Genome position (GRCh38, 1-based): chr13:32,338,456, A duplicated; the last of 3 consecutive A bases (chr13:32,338,454-32,338,456); duplicating any one gives the same sequence. VCF-style (leftmost placement, unchanged base first): chr13-32338453-T-TA. GRCh37 (hg19) VCF-style: chr13-32912590-T-TA.
Other names: c.4101dupA (NM_000059.3); short protein forms L1368fs.
Identifiers: ClinVar variation 51597 (VCV000051597.3), dbSNP rs397507705, ClinGen allele CA019525.
Genomic context (GRCh38, chr13:32,338,453, plus strand): 5'-TGTTTGTATTCATAAAGATGAAACGGACTTGCTATTTACTGATCAGCACAACATATGTCT[T>TA]AAATTATCTGGCCAGTTTATGAAGGAGGGAAACACTCAGATTAAAGAAGATTTGTCAGAT-3'

ClinVar aggregate classification (germline): Pathogenic. Review status: reviewed by expert panel (3 of 4 stars). 2 submissions from 2 submitters: Pathogenic (1). 1 of the submissions does not count toward it. Last evaluated 2017-12-15.

Conditions:
Familial cancer of breast. Also called: BREAST CANCER, FAMILIAL; Hereditary breast cancer; hereditary breast carcinoma. Identifiers: Orphanet 227535, MedGen C0346153, MONDO:0016419, OMIM 114480. Disease mechanism: loss of function.
Breast-ovarian cancer, familial, susceptibility to, 2 (BROVCA2). Also called: BRCA2 Hereditary Breast and Ovarian Cancer. Identifiers: Orphanet 145, MedGen C2675520, MONDO:0012933, OMIM 612555. Disease mechanism: loss of function.

Submissions (2):

Evidence-based Network for the Interpretation of Germline Mutant Alleles (ENIGMA)
Classification: Pathogenic for Breast-ovarian cancer, familial, susceptibility to, 2. Last evaluated: 2017-12-15. Review status: reviewed by expert panel. Criteria: ENIGMA BRCA1/2 Classification Criteria (2017-06-29). Collection method: curation. Allele origin: germline. Study: ENIGMA.
Comment: Variant allele predicted to encode a truncated non-functional protein.

ClinVar Staff, National Center for Biotechnology Information (NCBI)
No classification provided. Condition: Familial cancer of breast. Review status: no classification provided. Collection method: literature only. Allele origin: germline. Affected: yes. Not counted in ClinVar's aggregate classification.

Literature cited by the submitters: PubMed 19329713 (cited by ClinVar Staff, National Center for Biotechnology Information (NCBI)).